The following is an entry in ClinVar:

ClinVar aggregate classification (germline): Likely benign. Review status: criteria provided, multiple submitters, no conflicts (2 of 4 stars). 4 submissions from 4 submitters: Likely benign (4). Last evaluated 2023-10-16.

Conditions:
Hereditary cancer-predisposing syndrome. Also called: Hereditary Cancer Syndrome; Hereditary neoplastic syndrome; Neoplastic Syndromes, Hereditary; Tumor predisposition. Identifiers: Orphanet 140162, MedGen C0027672, MeSH D009386, MONDO:0015356.
Hereditary nonpolyposis colorectal neoplasms. Identifiers: MedGen C0009405, MeSH D003123.

Submissions (4):

Labcorp Genetics (formerly Invitae), Labcorp
Classification: Likely benign for Hereditary nonpolyposis colorectal neoplasms. Last evaluated: 2023-10-16. Review status: criteria provided, single submitter. Criteria: Invitae Variant Classification Sherloc (09022015). Collection method: clinical testing. Allele origin: germline.

Ambry Genetics
Classification: Likely benign for Hereditary cancer-predisposing syndrome. Last evaluated: 2023-08-30. Review status: criteria provided, single submitter. Criteria: Ambry Variant Classification Scheme 2023. Collection method: clinical testing. Allele origin: germline.

Color Diagnostics, LLC DBA Color Health
Classification: Likely benign for Hereditary cancer-predisposing syndrome. Last evaluated: 2022-11-06. Review status: criteria provided, single submitter. Criteria: ACMG Guidelines, 2015. Collection method: clinical testing. Allele origin: germline.

GeneDx
Classification: Likely benign. Last evaluated: 2016-03-30. Review status: criteria provided, single submitter. Criteria: GeneDx Variant Classification (06012015). Collection method: clinical testing. Allele origin: germline. Affected: yes.
Comment: This variant is considered likely benign or benign based on one or more of the following criteria: it is a conservative change, it occurs at a poorly conserved position in the protein, it is predicted to be benign by multiple in silico algorithms, and/or has population frequency not consistent with disease.

NM_000179.3(MSH6):c.2919T>G (p.Gly973=)

Gene: MSH6 (mutS homolog 6; plus strand). Cytogenetic location: 2p16.3.
Variant type: single nucleotide variant.
Coding change: c.2919T>G on transcript NM_000179.3 (MANE Select); coding-DNA position 2919, T replaced by G.
Protein change: p.Gly973=; no amino-acid change (glycine 973 retained).
Molecular consequence: synonymous variant.
Genome position (GRCh38, 1-based): chr2:47,800,902, T>G. VCF-style: chr2-47800902-T-G. GRCh37 (hg19) VCF-style: chr2-48028041-T-G.
Other names: c.2529T>G, p.Gly843= (NM_001281492.2); c.2013T>G, p.Gly671= (NM_001281493.2, NM_001281494.2).
Identifiers: ClinVar variation 385200 (VCV000385200.12), dbSNP rs1057522150, ClinGen allele CA16604596.